The following is an entry in ClinVar:

ClinVar aggregate classification (germline): Pathogenic (1 of 4 stars; one submission).

Conditions:
Menkes kinky-hair syndrome (MNK). Also called: Menkes Disease; Copper transport disease; Classic Menkes Disease. Identifiers: Orphanet 565, MedGen C0022716, MONDO:0010651, OMIM 309400.
Cutis laxa, X-linked (OHS). Also called: EDS IX; Occipital horn syndrome. Identifiers: Orphanet 198, MedGen C0268353, MONDO:0010572, OMIM 304150.
X-linked distal spinal muscular atrophy type 3. Also called: ATP7A-Related Distal Motor Neuropathy; NEURONOPATHY, DISTAL HEREDITARY MOTOR, X-LINKED; NEUROPATHY, DISTAL HEREDITARY MOTOR, X-LINKED; SPINAL MUSCULAR ATROPHY, DISTAL, X-LINKED RECESSIVE. Identifiers: Orphanet 139557, MedGen C1845359, MONDO:0010338, OMIM 300489.

Submission:

Labcorp Genetics (formerly Invitae), Labcorp
Classification: Pathogenic for X-linked distal spinal muscular atrophy type 3; Cutis laxa, X-linked; Menkes kinky-hair syndrome. Last evaluated: 2019-10-30. Review status: criteria provided, single submitter. Criteria: Invitae Variant Classification Sherloc (09022015). Collection method: clinical testing. Allele origin: germline.
Comment: This sequence change creates a premature translational stop signal (p.Thr888Lysfs*2) in the ATP7A gene. It is expected to result in an absent or disrupted protein product. This variant is not present in population databases (ExAC no frequency). This variant has not been reported in the literature in individuals with ATP7A-related conditions. Loss-of-function variants in ATP7A are known to be pathogenic (PMID: 11241493, 20652413). For these reasons, this variant has been classified as Pathogenic.

Literature cited by the submitters: PubMed 11241493; PubMed 20652413.

NM_000052.7(ATP7A):c.2663del (p.Thr888fs)

Gene: ATP7A (ATPase copper transporting alpha; plus strand). Cytogenetic location: Xq21.1.
Variant type: Deletion.
Coding change: c.2663del on transcript NM_000052.7 (MANE Select); coding-DNA position 2663, one base deleted (C; older notation c.2663delC).
Protein change: p.Thr888fs; shifts the reading frame from threonine 888.
Molecular consequence: frameshift variant.
Genome position (GRCh38, 1-based): chrX:78,020,280, C deleted. VCF-style (leftmost placement, unchanged base first): chrX-78020279-AC-A. GRCh37 (hg19) VCF-style: chrX-77275776-AC-A.
Other names: c.2429del, p.Thr810fs (NM_001282224.2); short protein forms T810fs, T888fs.
Identifiers: ClinVar variation 963560 (VCV000963560.8), dbSNP rs2077896094, ClinGen allele CA1139667673.